The following is an entry in ClinVar:

NM_024652.6(LRRK1):c.212G>A (p.Arg71Gln)

Gene: LRRK1 (leucine rich repeat kinase 1; plus strand). Cytogenetic location: 15q26.3.
Variant type: single nucleotide variant.
Coding change: c.212G>A on transcript NM_024652.6 (MANE Select); coding-DNA position 212, G replaced by A.
Protein change: p.Arg71Gln; replaces arginine 71 with glutamine.
Molecular consequence: missense variant.
Genome position (GRCh38, 1-based): chr15:100,973,918, G>A. VCF-style: chr15-100973918-G-A. GRCh37 (hg19) VCF-style: chr15-101514123-G-A.
Other names: short protein forms R71Q.
Identifiers: ClinVar variation 2991755 (VCV002991755.3), dbSNP rs1326828605, ClinGen allele CA393950093.

ClinVar aggregate classification (germline): Uncertain significance (1 of 4 stars; one submission).

Allele frequency attached by ClinVar (database versions not stated): gnomAD exomes below 0.00001.
gnomAD v4.1: 5 of 1,265,204 alleles (0.0004%); highest among the groups gnomAD compares: Non-Finnish European, 0.0003%; no homozygotes.

Submission:

Labcorp Genetics (formerly Invitae), Labcorp
Classification: Uncertain significance. Last evaluated: 2023-09-20. Review status: criteria provided, single submitter. Criteria: Invitae Variant Classification Sherloc (09022015). Collection method: clinical testing. Allele origin: germline.
Comment: This sequence change replaces arginine, which is basic and polar, with glutamine, which is neutral and polar, at codon 71 of the LRRK1 protein (p.Arg71Gln). This variant is not present in population databases (gnomAD no frequency). This variant has not been reported in the literature in individuals affected with LRRK1-related conditions. Algorithms developed to predict the effect of missense changes on protein structure and function output the following: SIFT: "Not Available"; PolyPhen-2: "Benign"; Align-GVGD: "Not Available". The glutamine amino acid residue is found in multiple mammalian species, which suggests that this missense change does not adversely affect protein function. In summary, the available evidence is currently insufficient to determine the role of this variant in disease. Therefore, it has been classified as a Variant of Uncertain Significance.